The following is an entry in ClinVar:

ClinVar aggregate classification (germline): Uncertain significance (1 of 4 stars; one submission).

Conditions:
Rubinstein-Taybi syndrome due to EP300 haploinsufficiency. Also called: EP300-Related Rubinstein-Taybi Syndrome; RUBINSTEIN-TAYBI SYNDROME 2. Identifiers: Orphanet 353284, Orphanet 783, MedGen C3150941, MONDO:0013364, OMIM 613684.

Submission:

Labcorp Genetics (formerly Invitae), Labcorp
Classification: Uncertain significance for Rubinstein-Taybi syndrome due to EP300 haploinsufficiency. Last evaluated: 2024-10-22. Review status: criteria provided, single submitter. Criteria: Invitae Variant Classification Sherloc (09022015). Collection method: clinical testing. Allele origin: germline.
Comment: This sequence change replaces valine, which is neutral and non-polar, with glycine, which is neutral and non-polar, at codon 435 of the EP300 protein (p.Val435Gly). This variant is not present in population databases (gnomAD no frequency). This variant has not been reported in the literature in individuals affected with EP300-related conditions. Invitae Evidence Modeling of protein sequence and biophysical properties (such as structural, functional, and spatial information, amino acid conservation, physicochemical variation, residue mobility, and thermodynamic stability) indicates that this missense variant is not expected to disrupt EP300 protein function with a negative predictive value of 80%. In summary, the available evidence is currently insufficient to determine the role of this variant in disease. Therefore, it has been classified as a Variant of Uncertain Significance.

NM_001429.4(EP300):c.1304T>G (p.Val435Gly)

Gene: EP300 (EP300 lysine acetyltransferase; plus strand). Cytogenetic location: 22q13.2.
Variant type: single nucleotide variant.
Coding change: c.1304T>G on transcript NM_001429.4 (MANE Select); coding-DNA position 1304, T replaced by G.
Protein change: p.Val435Gly; replaces valine 435 with glycine.
Molecular consequence: missense variant.
Genome position (GRCh38, 1-based): chr22:41,131,409, T>G. VCF-style: chr22-41131409-T-G. GRCh37 (hg19) VCF-style: chr22-41527413-T-G.
Other names: c.1304T>G, p.Val435Gly (NM_001362843.2); short protein forms V435G.
Identifiers: ClinVar variation 3716491 (VCV003716491.2).